The following is an entry in ClinVar:

ClinVar aggregate classification (germline): Conflicting classifications of pathogenicity. Review status: criteria provided, conflicting classifications (1 of 4 stars). 5 submissions from 5 submitters: Uncertain significance (3); Likely benign (1). 1 of the submissions does not count toward it. Last evaluated 2025-11-16.

Conditions:
Familial cancer of breast. Also called: Hereditary breast cancer; hereditary breast carcinoma; BREAST CANCER, FAMILIAL. Identifiers: Orphanet 227535, MedGen C0346153, MONDO:0016419, OMIM 114480. Disease mechanism: loss of function.
Hereditary cancer-predisposing syndrome. Also called: Hereditary Cancer Syndrome; Neoplastic Syndromes, Hereditary; Hereditary neoplastic syndrome; Tumor predisposition. Identifiers: Orphanet 140162, MedGen C0027672, MeSH D009386, MONDO:0015356.
Ataxia-telangiectasia syndrome (AT). Also called: Cerebello-oculocutaneous telangiectasia; Immunodeficiency with ataxia telangiectasia; Ataxia-telangiectasia, complementation group E; Ataxia-telangiectasia, complementation group D; AT, COMPLEMENTATION GROUP C; ATAXIA-TELANGIECTASIA, COMPLEMENTATION GROUP A. Identifiers: Orphanet 100, MedGen C0004135, MONDO:0008840, OMIM 208900.

Allele frequency attached by ClinVar (database versions not stated): TOPMed below 0.00001; gnomAD 0.00001.
gnomAD v4.1: 3 of 1,613,608 alleles (0.00019%); highest among the groups gnomAD compares: East Asian, 0.0067%; no homozygotes.

Submissions (5):

Labcorp Genetics (formerly Invitae), Labcorp
Classification: Uncertain significance for Ataxia-telangiectasia syndrome. Last evaluated: 2025-11-16. Review status: criteria provided, single submitter. Criteria: Invitae Variant Classification Sherloc (09022015). Collection method: clinical testing. Allele origin: germline.
Comment: This sequence change replaces alanine, which is neutral and non-polar, with serine, which is neutral and polar, at codon 84 of the ATM protein (p.Ala84Ser). This variant is not present in population databases (gnomAD no frequency). This variant has not been reported in the literature in individuals affected with ATM-related conditions. ClinVar contains an entry for this variant (Variation ID: 821399). Invitae Evidence Modeling of protein sequence and biophysical properties (such as structural, functional, and spatial information, amino acid conservation, physicochemical variation, residue mobility, and thermodynamic stability) indicates that this missense variant is not expected to disrupt ATM protein function with a negative predictive value of 95%. In summary, the available evidence is currently insufficient to determine the role of this variant in disease. Therefore, it has been classified as a Variant of Uncertain Significance.

Ambry Genetics
Classification: Likely benign for Hereditary cancer-predisposing syndrome. Last evaluated: 2023-12-06. Review status: criteria provided, single submitter. Criteria: Ambry Variant Classification Scheme 2023. Collection method: clinical testing. Allele origin: germline.

Baylor Genetics
Classification: Uncertain significance for Familial cancer of breast. Last evaluated: 2023-03-27. Review status: criteria provided, single submitter. Criteria: ACMG Guidelines, 2015. Collection method: clinical testing. Allele origin: unknown.

Color Diagnostics, LLC DBA Color Health
Classification: Uncertain significance for Hereditary cancer-predisposing syndrome. Last evaluated: 2019-08-06. Review status: criteria provided, single submitter. Criteria: ACMG Guidelines, 2015. Collection method: clinical testing. Allele origin: germline.
Comment: This missense variant replaces alanine with serine at codon 84 of the ATM protein. Computational prediction tools and conservation analyses are inconclusive regarding the impact of this variant on the protein function. Computational splicing tools suggest that this variant may not impact RNA splicing. To our knowledge, functional assays have not been performed for this variant nor has this variant been reported in individuals affected with hereditary cancer in the literature. This variant has not been identified in the general population by the Genome Aggregation Database (gnomAD). Available evidence is insufficient to determine the role of this variant in disease conclusively. Therefore, this variant is classified as a Variant of Uncertain Significance.

Natera, Inc.
Classification: Uncertain significance for Ataxia-telangiectasia. Last evaluated: 2021-06-01. Review status: no assertion criteria provided. Collection method: clinical testing. Allele origin: germline. Not counted in ClinVar's aggregate classification.

NM_000051.4(ATM):c.250G>T (p.Ala84Ser)

Gene: ATM (ATM serine/threonine kinase; plus strand). Cytogenetic location: 11q22.3.
Variant type: single nucleotide variant.
Coding change: c.250G>T on transcript NM_000051.4 (MANE Select); coding-DNA position 250, G replaced by T.
Protein change: p.Ala84Ser; replaces alanine 84 with serine.
Molecular consequence: missense variant.
Genome position (GRCh38, 1-based): chr11:108,229,242, G>T. VCF-style: chr11-108229242-G-T. GRCh37 (hg19) VCF-style: chr11-108099969-G-T.
Other names: c.250G>T, p.Ala84Ser (NM_001351834.2, NM_001351835.2, NM_001351836.2); short protein forms A84S.
Identifiers: ClinVar variation 821399 (VCV000821399.12), dbSNP rs1382256509, ClinGen allele CA382521560.